The following is an entry in ClinVar:

ClinVar aggregate classification (germline): Uncertain significance (1 of 4 stars; one submission).

Conditions:
Leigh syndrome (NULS). Also called: Leigh's necrotizing encephalopathy; Leigh's disease; Leigh Syndrome (mtDNA deletion); Leigh Disease; Subacute necrotizing encephalopathy; Necrotizing encephalopathy infantile subacute of Leigh. Identifiers: Orphanet 506, MedGen C2931891, MONDO:0009723, OMIM 256000.

Submission:

Wong Mito Lab, Molecular and Human Genetics, Baylor College of Medicine
Classification: Uncertain significance for Leigh syndrome. Last evaluated: 2019-10-17. Review status: criteria provided, single submitter. Criteria: Modified ACMG Guidelines (Unpublished). Collection method: clinical testing. Allele origin: germline.
Comment: The NC_012920.1:m.13073T>A (YP_003024036.1:p.Leu246Gln) variant in MTND5 gene is interpretated to be a Uncertain Significance variant based on the modified ACMG guidelines (unpublished). This variant meets the following evidence codes: PP6, PP7

NC_012920.1(MT-ND5):m.13073T>A

Gene: MT-ND5 (mitochondrially encoded NADH dehydrogenase 5; plus strand).
Variant type: single nucleotide variant.
Genome position: chrM-13073-T-A.
Identifiers: ClinVar variation 693515 (VCV000693515.1), dbSNP rs1603224023, ClinGen allele CA414816494.